The following is an entry in ClinVar:

ClinVar aggregate classification (germline): Likely benign. Review status: criteria provided, multiple submitters, no conflicts (2 of 4 stars). 3 submissions from 3 submitters: Likely benign (3). Last evaluated 2026-01-19.

Allele frequency attached by ClinVar (database versions not stated): gnomAD 0.00002 and 0.00003; gnomAD exomes 0.00002 and 0.00006; TOPMed 0.00002; ExAC 0.00005; 1000 Genomes Project 30x 0.00016; 1000 Genomes Project 0.00020.
gnomAD v4.1: 26 of 1,551,654 alleles (0.0017%); highest among the groups gnomAD compares: East Asian, 0.029%; no homozygotes.

Submissions (3):

Labcorp Genetics (formerly Invitae), Labcorp
Classification: Likely benign. Last evaluated: 2026-01-19. Review status: criteria provided, single submitter. Criteria: Invitae Variant Classification Sherloc (09022015). Collection method: clinical testing. Allele origin: germline.

CeGaT Center for Human Genetics Tuebingen
Classification: Likely benign. Last evaluated: 2023-10-01. Review status: criteria provided, single submitter. Criteria: CeGaT Center For Human Genetics Tuebingen Variant Classification Criteria Version 2. Collection method: clinical testing. Allele origin: germline. Affected: yes. Observed: 1 variant allele.
Comment: LOXHD1: BP4, BP7

Breakthrough Genomics
Classification: Likely benign. Review status: criteria provided, single submitter. Criteria: ACMG Guidelines, 2015. Collection method: not provided. Allele origin: germline. Inheritance: Autosomal recessive inheritance. Affected: yes.

NM_001384474.1(LOXHD1):c.1209G>A (p.Ala403=)

Gene: LOXHD1 (lipoxygenase homology PLAT domains 1; minus strand). Cytogenetic location: 18q21.1.
Variant type: single nucleotide variant.
Coding change: c.1209G>A on transcript NM_001384474.1 (MANE Select); coding-DNA position 1209, G replaced by A.
Protein change: p.Ala403=; no amino-acid change (alanine 403 retained).
Molecular consequence: synonymous variant.
Genome position (GRCh38, 1-based): chr18:46,594,392, C>T on the plus strand (G>A on the coding strand, the complement: LOXHD1 is on the minus strand). VCF-style: chr18-46594392-C-T. GRCh37 (hg19) VCF-style: chr18-44174355-C-T.
Other names: c.1209G>A, p.Ala403= (NM_144612.7).
Identifiers: ClinVar variation 793045 (VCV000793045.34), dbSNP rs548430409, ClinGen allele CA8952834.